The following is an entry in ClinVar:

ClinVar aggregate classification (germline): Likely pathogenic (1 of 4 stars; one submission).

Conditions:
Cranioectodermal dysplasia 1 (CED1). Also called: LEVIN SYNDROME I. Identifiers: Orphanet 1515, MedGen C0432235, MONDO:0021093, OMIM 218330.

Submission:

Labcorp Genetics (formerly Invitae), Labcorp
Classification: Likely pathogenic for Cranioectodermal dysplasia 1. Last evaluated: 2017-12-21. Review status: criteria provided, single submitter. Criteria: Invitae Variant Classification Sherloc (09022015). Collection method: clinical testing. Allele origin: germline.
Comment: In summary, the currently available evidence indicates that the variant is pathogenic, but additional data are needed to prove that conclusively. Therefore, this variant has been classified as Likely Pathogenic. Donor and acceptor splice site variants typically lead to a loss of protein function (PMID: 16199547), and loss-of-function variants in IFT122 are known to be pathogenic (PMID: 20493458, 23826986, 26792575). This variant has not been reported in the literature in individuals with IFT122-related disease. This variant is not present in population databases (ExAC no frequency). This sequence change affects a donor splice site in intron 6 of the IFT122 gene. It is expected to disrupt RNA splicing and likely results in an absent or disrupted protein product.

Literature cited by the submitters: PubMed 16199547; PubMed 20493458; PubMed 23826986; PubMed 26792575.

NM_052989.3(IFT122):c.349+1G>A

Gene: IFT122 (intraflagellar transport 122; plus strand). Cytogenetic location: 3q21.3.
Variant type: single nucleotide variant.
Coding change: c.349+1G>A on transcript NM_052989.3 (MANE Select); the canonical splice donor site of the intron after coding-DNA position 349, G replaced by A.
Molecular consequence: splice donor variant. On other transcripts: intron variant (3).
Genome position (GRCh38, 1-based): chr3:129,461,305, G>A. VCF-style: chr3-129461305-G-A. GRCh37 (hg19) VCF-style: chr3-129180148-G-A.
Other names: c.-102+1G>A (NM_001280545.2, NM_001280546.2); c.502+1G>A (NM_052985.4, NM_001280541.2); c.349+1G>A (NM_001410808.1, NM_001410809.1, NM_001410810.1 and 3 more transcripts); c.194-2255G>A (NM_052990.3, NM_001410815.1, NM_001410817.1).
Identifiers: ClinVar variation 581388 (VCV000581388.7), dbSNP rs1559869525, ClinGen allele CA354471809.